The following is an entry in ClinVar:

ClinVar aggregate classification (germline): Likely benign (1 of 4 stars; one submission).

Allele frequency attached by ClinVar (database versions not stated): TOPMed 0.00041; gnomAD 0.00046; ExAC 0.00058; gnomAD exomes 0.00069; ESP Exome Variant Server 0.00104.
gnomAD v4.1: 808 of 1,208,307 alleles (0.067%); highest among the groups gnomAD compares: Non-Finnish European, 0.078%; 1 homozygote.

Submission:

CeGaT Center for Human Genetics Tuebingen
Classification: Likely benign. Last evaluated: 2023-03-01. Review status: criteria provided, single submitter. Criteria: CeGaT Center For Human Genetics Tuebingen Variant Classification Criteria Version 2. Collection method: clinical testing. Allele origin: germline. Affected: yes. Observed: 2 variant alleles.
Comment: TMEM35A: BP4, BS2

NM_021637.3(TMEM35A):c.120+7G>A

Gene: TMEM35A (transmembrane protein 35A; plus strand). Cytogenetic location: Xq22.1.
Variant type: single nucleotide variant.
Coding change: c.120+7G>A on transcript NM_021637.3 (MANE Select); 7 bases into the intron after coding-DNA position 120, G replaced by A.
Molecular consequence: intron variant.
Genome position (GRCh38, 1-based): chrX:101,079,129, G>A. VCF-style: chrX-101079129-G-A. GRCh37 (hg19) VCF-style: chrX-100334118-G-A.
Identifiers: ClinVar variation 2661049 (VCV002661049.24), dbSNP rs374716786, ClinGen allele CA10471505.